The following is an entry in ClinVar:

NM_001375834.1(WIPF1):c.358+396C>T

Gene: WIPF1 (WAS/WASL interacting protein family member 1; minus strand). Cytogenetic location: 2q31.1.
Variant type: single nucleotide variant.
Coding change: c.358+396C>T on transcript NM_001375834.1 (MANE Select); 396 bases into the intron after coding-DNA position 358, C replaced by T.
Molecular consequence: intron variant.
Genome position (GRCh38, 1-based): chr2:174,574,808, G>A on the plus strand (C>T on the coding strand, the complement: WIPF1 is on the minus strand). VCF-style: chr2-174574808-G-A. GRCh37 (hg19) VCF-style: chr2-175439536-G-A.
Other names: c.358+396C>T (NM_001375835.1, NM_001077269.1, NM_003387.5 and 5 more transcripts); c.182-2563C>T (NM_001375839.1).
Identifiers: ClinVar variation 2688543 (VCV002688543.2), dbSNP rs12624277, ClinGen allele CA11132467.

ClinVar aggregate classification (germline): Benign (1 of 4 stars; one submission).

Allele frequency attached by ClinVar (database versions not stated): TOPMed 0.50186; gnomAD 0.50613; 1000 Genomes Project 30x 0.54200; gnomAD exomes 0.54409; 1000 Genomes Project 0.54653.
gnomAD v4.1: 369,203 of 689,226 alleles (54%); highest among the groups gnomAD compares: East Asian, 87%; 102,613 homozygotes.

Submission:

Unidad de Genómica Garrahan, Hospital de Pediatría Garrahan
Classification: Benign. Last evaluated: 2024-01-24. Review status: criteria provided, single submitter. Criteria: ACMG Guidelines, 2015. Collection method: clinical testing. Allele origin: germline. Affected: no. Observed: 74 variant alleles.
Comment: This variant is classified as Benign based on local population frequency. This variant was detected in 84% of patients studied by a panel of primary immunodeficiencies. Number of patients: 74. Only high quality variants are reported.